The following is an entry in ClinVar:

NM_000218.3(KCNQ1):c.1145A>G (p.Tyr382Cys)

Gene: KCNQ1 (potassium voltage-gated channel subfamily Q member 1; plus strand). Cytogenetic location: 11p15.5.
Variant type: single nucleotide variant.
Coding change: c.1145A>G on transcript NM_000218.3 (MANE Select); coding-DNA position 1145, A replaced by G.
Protein change: p.Tyr382Cys; replaces tyrosine 382 with cysteine.
Molecular consequence: missense variant.
Genome position (GRCh38, 1-based): chr11:2,587,586, A>G. VCF-style: chr11-2587586-A-G. GRCh37 (hg19) VCF-style: chr11-2608816-A-G.
Other names: c.1049A>G, p.Tyr350Cys (NM_001406836.1); c.875A>G, p.Tyr292Cys (NM_001406837.1); c.605A>G, p.Tyr202Cys (NM_001406838.1); c.764A>G, p.Tyr255Cys (NM_181798.2); short protein forms Y202C, Y255C, Y292C, Y350C, Y382C.
Identifiers: ClinVar variation 3074102 (VCV003074102.1), dbSNP rs2493705401, ClinGen allele CA379134671.

ClinVar aggregate classification (germline): Uncertain significance (1 of 4 stars; one submission).

Conditions:
Long QT syndrome (LQTS). Identifiers: MedGen C0023976, MeSH D008133, MONDO:0002442. Disease mechanism: loss of function. Inheritance: Various modes of inheritance.

Submission:

All of Us Research Program, National Institutes of Health
Classification: Uncertain significance for Long QT syndrome. Last evaluated: 2023-10-23. Review status: criteria provided, single submitter. Criteria: ACMG Guidelines, 2015. Collection method: clinical testing. Allele origin: germline. Inheritance: Autosomal dominant inheritance. Observed: 2 variant alleles, 2 heterozygotes.
Comment: This missense variant replaces tyrosine with cysteine at codon 382 of the KCNQ1 protein. Computational prediction suggests that this variant may have deleterious impact on protein structure and function (internally defined REVEL score threshold >= 0.7, PMID: 27666373). To our knowledge, functional studies have not been reported for this variant. This variant has not been reported in individuals affected with KCNQ1-related disorders in the literature. This variant has not been identified in the general population by the Genome Aggregation Database (gnomAD). The available evidence is insufficient to determine the role of this variant in disease conclusively. Therefore, this variant is classified as a Variant of Uncertain Significance.

This study involves interpretation of variants in research participants for the purpose of population health screening. Participant phenotype was not available at the time of variant classification. Additional details can be found in publication PMID: 35346344, PMCID: PMC8962531